The following is an entry in ClinVar:

ClinVar aggregate classification (germline): Conflicting classifications of pathogenicity. Review status: criteria provided, conflicting classifications (1 of 4 stars). 3 submissions from 3 submitters: Pathogenic (1); Uncertain significance (1). 1 of the submissions does not count toward it. Last evaluated 2022-12-14.

Conditions:
Neurodevelopmental disorder. Identifiers: MedGen C1535926, MeSH D065886, MONDO:0700092.
Spinocerebellar ataxia type 21 (SCA21). Identifiers: Orphanet 98773, MedGen C1843891, MONDO:0011833, OMIM 607454.

Allele frequency attached by ClinVar (database versions not stated): gnomAD 0.00001 and 0.00002.

Submissions (3):

Labcorp Genetics (formerly Invitae), Labcorp
Classification: Uncertain significance. Last evaluated: 2022-12-14. Review status: criteria provided, single submitter. Criteria: Invitae Variant Classification Sherloc (09022015). Collection method: clinical testing. Allele origin: germline.
Comment: In summary, the available evidence is currently insufficient to determine the role of this variant in disease. Therefore, it has been classified as a Variant of Uncertain Significance. Algorithms developed to predict the effect of missense changes on protein structure and function are either unavailable or do not agree on the potential impact of this missense change (SIFT: "Deleterious"; PolyPhen-2: "Probably Damaging"; Align-GVGD: "Class C0"). ClinVar contains an entry for this variant (Variation ID: 161196). This missense change has been observed in individual(s) with autosomal dominant spinocerebellar ataxia (PMID: 25070513). This variant is not present in population databases (gnomAD no frequency). This sequence change replaces arginine, which is basic and polar, with tryptophan, which is neutral and slightly polar, at codon 171 of the TMEM240 protein (p.Arg171Trp).

Laboratory of Molecular Genetics (Pr. Bezieau's lab), CHU de Nantes
Classification: Pathogenic for Neurodevelopmental disorder. Last evaluated: 2020-04-06. Review status: criteria provided, single submitter. Criteria: ACMG Guidelines, 2015. Collection method: clinical testing. Allele origin: germline. Affected: yes.

OMIM
Classification: Pathogenic for SPINOCEREBELLAR ATAXIA 21. Last evaluated: 2014-10-01. Review status: no assertion criteria provided. Collection method: literature only. Allele origin: germline. Not counted in ClinVar's aggregate classification.

Literature cited by the submitters: PubMed 25070513 (cited by Labcorp Genetics (formerly Invitae), Labcorp and OMIM).

NM_001114748.2(TMEM240):c.511C>T (p.Arg171Trp)

Gene: TMEM240 (transmembrane protein 240; minus strand). Cytogenetic location: 1p36.33.
Variant type: single nucleotide variant.
Coding change: c.511C>T on transcript NM_001114748.2 (MANE Select); coding-DNA position 511, C replaced by T.
Protein change: p.Arg171Trp; replaces arginine 171 with tryptophan.
Molecular consequence: missense variant.
Genome position (GRCh38, 1-based): chr1:1,535,370, G>A on the plus strand (C>T on the coding strand, the complement: TMEM240 is on the minus strand). VCF-style: chr1-1535370-G-A. GRCh37 (hg19) VCF-style: chr1-1470750-G-A.
Other names: short protein forms R171W.
Identifiers: ClinVar variation 161196 (VCV000161196.7), dbSNP rs606231455, ClinGen allele CA272849.